The following is an entry in ClinVar:

ClinVar aggregate classification (germline): Uncertain significance (1 of 4 stars; one submission).

Conditions:
GBF1-related disorder. Also called: GBF1-related condition.

Submission:

PreventionGenetics, part of Exact Sciences
Classification: Uncertain significance for GBF1-related condition. Last evaluated: 2026-04-09. Review status: criteria provided, single submitter. Criteria: ACMG Guidelines, 2015. Collection method: clinical testing. Allele origin: germline.
Comment: The GBF1 c.4309G>A variant is predicted to result in the amino acid substitution p.Gly1437Ser. To our knowledge, this variant has not been reported in the literature or in a large population database (gnomAD), indicating this variant is rare. At this time, the clinical significance of this variant is uncertain due to the absence of conclusive functional and genetic evidence.

NM_001377137.1(GBF1):c.4312G>A (p.Gly1438Ser)

Gene: GBF1 (golgi brefeldin A resistant guanine nucleotide exchange factor 1; plus strand). Cytogenetic location: 10q24.32.
Variant type: single nucleotide variant.
Coding change: c.4312G>A on transcript NM_001377137.1 (MANE Select); coding-DNA position 4312, G replaced by A.
Protein change: p.Gly1438Ser; replaces glycine 1438 with serine.
Molecular consequence: missense variant. On other transcripts: non-coding transcript variant (5).
Genome position (GRCh38, 1-based): chr10:102,376,958, G>A. VCF-style: chr10-102376958-G-A. GRCh37 (hg19) VCF-style: chr10-104136715-G-A.
Other names: c.4312G>A, p.Gly1438Ser (NM_001199378.2, NM_001391923.1); c.4309G>A, p.Gly1437Ser (NM_001199379.2, NM_001377141.1, NM_001391924.1 and 3 more transcripts); c.4273G>A, p.Gly1425Ser (NM_001377138.1, NM_001391925.1); c.4015G>A, p.Gly1339Ser (NM_001377139.1, NM_001377140.1); c.4408G>A, p.Gly1470Ser (NM_001391922.1, NM_001411027.1); c.4276G>A, p.Gly1426Ser (NM_001391926.1); c.4168G>A, p.Gly1390Ser (NM_001391928.1); c.4072G>A, p.Gly1358Ser (NM_001391929.1); and 2 more; short protein forms G1358S, G1390S, G1425S, G1462S, G1426S, G1438S, G1470S, G1311S.
Identifiers: ClinVar variation 4977177 (VCV004977177.1).